The following is an entry in ClinVar:

NM_003394.4(WNT10B):c.638T>G (p.Phe213Cys)

Gene: WNT10B (Wnt family member 10B; minus strand). Cytogenetic location: 12q13.12.
Variant type: single nucleotide variant.
Coding change: c.638T>G on transcript NM_003394.4 (MANE Select); coding-DNA position 638, T replaced by G.
Protein change: p.Phe213Cys; replaces phenylalanine 213 with cysteine.
Molecular consequence: missense variant.
Genome position (GRCh38, 1-based): chr12:48,968,019, A>C on the plus strand (T>G on the coding strand, the complement: WNT10B is on the minus strand). VCF-style: chr12-48968019-A-C. GRCh37 (hg19) VCF-style: chr12-49361802-A-C.
Other names: short protein forms F213C.
Identifiers: ClinVar variation 3391173 (VCV003391173.1).
Genomic context (GRCh38, chr12:48,968,019, plus strand): 5'-CTGTTGTTGTGGATTCGCATTCGTGCCTGGATGTCCCGGGGAGCTTCCCTGGAATCCAAG[A>C]AATCCCGAGAGAACTTCTCTCCAAAGTCCATGTCATGGTTACAGCCACCCCATTCCCATG-3'
Protein context (NP_003385.2, residues 203-223): MDFGEKFSRD[Phe213Cys]LDSREAPRDI

ClinVar aggregate classification (germline): Likely pathogenic (1 of 4 stars; one submission).

Conditions:
Split hand-foot malformation 6. Also called: ECTRODACTYLY, AUTOSOMAL RECESSIVE. Identifiers: Orphanet 2440, MedGen C2749665, MONDO:0009157, OMIM 225300.

Submission:

Clinical Genetics Laboratory, University Hospital Schleswig-Holstein
Classification: Likely pathogenic for Split hand-foot malformation 6. Last evaluated: 2024-12-18. Review status: criteria provided, single submitter. Criteria: ACMG Guidelines, 2015. Collection method: clinical testing. Allele origin: germline. Inheritance: Autosomal recessive inheritance. Affected: yes.
Comment: This variant is classified as a likely pathogenic (PM2, PP3, PM3, PP4_moderate).